The following is an entry in ClinVar:

NM_002907.4(RECQL):c.218T>A (p.Phe73Tyr)

Gene: RECQL (RecQ like helicase; minus strand). Cytogenetic location: 12p12.1.
Variant type: single nucleotide variant.
Coding change: c.218T>A on transcript NM_002907.4 (MANE Select); coding-DNA position 218, T replaced by A.
Protein change: p.Phe73Tyr; replaces phenylalanine 73 with tyrosine.
Molecular consequence: missense variant.
Genome position (GRCh38, 1-based): chr12:21,490,375, A>T on the plus strand (T>A on the coding strand, the complement: RECQL is on the minus strand). VCF-style: chr12-21490375-A-T. GRCh37 (hg19) VCF-style: chr12-21643309-A-T.
Other names: c.218T>A, p.Phe73Tyr (NM_032941.3); short protein forms F73Y.
Identifiers: ClinVar variation 4863116 (VCV004863116.1).

ClinVar aggregate classification (germline): Uncertain significance (1 of 4 stars; one submission).

Submission:

Ambry Genetics
Classification: Uncertain significance. Last evaluated: 2026-04-13. Review status: criteria provided, single submitter. Criteria: Ambry Variant Classification Scheme 2023. Collection method: clinical testing. Allele origin: germline.
Comment: The p.F73Y variant (also known as c.218T>A), located in coding exon 3 of the RECQL gene, results from a T to A substitution at nucleotide position 218. The phenylalanine at codon 73 is replaced by tyrosine, an amino acid with highly similar properties. This amino acid position is conserved. In addition, the in silico prediction for this alteration is inconclusive. Based on the available evidence, the clinical significance of this variant remains unclear.